The following is an entry in ClinVar:

NM_006031.6(PCNT):c.2558C>A (p.Ala853Glu)

Gene: PCNT (pericentrin; plus strand). Cytogenetic location: 21q22.3.
Variant type: single nucleotide variant.
Coding change: c.2558C>A on transcript NM_006031.6 (MANE Select); coding-DNA position 2558, C replaced by A.
Protein change: p.Ala853Glu; replaces alanine 853 with glutamic acid.
Molecular consequence: missense variant.
Genome position (GRCh38, 1-based): chr21:46,363,883, C>A. VCF-style: chr21-46363883-C-A. GRCh37 (hg19) VCF-style: chr21-47783798-C-A.
Other names: c.2204C>A, p.Ala735Glu (NM_001315529.2); short protein forms A853E, A735E.
Identifiers: ClinVar variation 4980359 (VCV004980359.1).

ClinVar aggregate classification (germline): Uncertain significance (1 of 4 stars; one submission).

Conditions:
PCNT-related disorder. Also called: PCNT-related condition.

gnomAD v4.1: 9 of 1,610,858 alleles (0.00056%); highest among the groups gnomAD compares: South Asian, 0.0099%; no homozygotes.

Submission:

PreventionGenetics, part of Exact Sciences
Classification: Uncertain significance for PCNT-related condition. Last evaluated: 2025-11-05. Review status: criteria provided, single submitter. Criteria: ACMG Guidelines, 2015. Collection method: clinical testing. Allele origin: germline.
Comment: The PCNT c.2558C>A variant is predicted to result in the amino acid substitution p.Ala853Glu. To our knowledge, this variant has not been reported in the literature. This variant is reported in 0.0098% of alleles in individuals of South Asian descent in gnomAD. At this time, the clinical significance of this variant is uncertain due to the absence of conclusive functional and genetic evidence.